The following is an entry in ClinVar:

NC_000010.10:g.(?_55912840)_(55913073_?)dup

Gene: PCDH15 (protocadherin related 15; minus strand). Cytogenetic location: 10q21.1.
Variant type: Duplication.
Identifiers: ClinVar variation 2427110 (VCV002427110.3).

ClinVar aggregate classification (germline): Pathogenic (1 of 4 stars; one submission).

Submission:

Labcorp Genetics (formerly Invitae), Labcorp
Classification: Pathogenic. Last evaluated: 2022-07-12. Review status: criteria provided, single submitter. Criteria: Invitae Variant Classification Sherloc (09022015). Collection method: clinical testing. Allele origin: germline.
Comment: This variant results in a copy number gain of the genomic region encompassing exon(s) 14 of the PCDH15 gene. While the exact position of this variant cannot be determined from the data, sub-genic copy number gains are generally in tandem (PMID: 25640679). This variant is predicted to be out-of-frame, and may result in an absent or disrupted protein product. Loss-of-function variants in PCDH15 are known to be pathogenic (PMID: 11398101, 11487575, 14570705). A similar copy number variant has been observed in individual(s) with clinical features of Usher syndrome (Invitae). In at least one individual the data is consistent with being in trans (on the opposite chromosome) from a pathogenic variant. For these reasons, this variant has been classified as Pathogenic.

Literature cited by the submitters: PubMed 25640679; PubMed 11398101; PubMed 11487575; PubMed 14570705.